The following is an entry in ClinVar:

NM_001267550.2(TTN):c.7740T>G (p.Ile2580Met)

Gene: TTN (titin; minus strand). Cytogenetic location: 2q31.2.
Variant type: single nucleotide variant.
Coding change: c.7740T>G on transcript NM_001267550.2 (MANE Select); coding-DNA position 7740, T replaced by G.
Protein change: p.Ile2580Met; replaces isoleucine 2580 with methionine.
Molecular consequence: missense variant.
Genome position (GRCh38, 1-based): chr2:178,773,224, A>C on the plus strand (T>G on the coding strand, the complement: TTN is on the minus strand). VCF-style: chr2-178773224-A-C. GRCh37 (hg19) VCF-style: chr2-179637951-A-C.
Other names: p.I2580M:ATT>ATG; c.7740T>G, p.Ile2580Met (NM_001256850.1, NM_133378.4, NM_133379.5); c.7602T>G, p.Ile2534Met (NM_003319.4, NM_133432.3, NM_133437.4); short protein forms I2580M, I2534M.
Identifiers: ClinVar variation 47444 (VCV000047444.37), dbSNP rs146590898, ClinGen allele CA283951.

ClinVar aggregate classification (germline): Benign/Likely benign. Review status: criteria provided, multiple submitters, no conflicts (2 of 4 stars). 23 submissions from 16 submitters: Benign (14); Likely benign (6). 3 of the submissions do not count toward it. Last evaluated 2026-02-03.

Conditions:
Cardiovascular phenotype. Identifiers: MedGen CN230736.
Autosomal recessive limb-girdle muscular dystrophy type 2J (LGMDR10). Also called: Limb-girdle muscular dystrophy, type 2J; MUSCULAR DYSTROPHY, LIMB-GIRDLE, AUTOSOMAL RECESSIVE 10. Identifiers: Orphanet 140922, MedGen C1837342, MONDO:0012127, OMIM 608807.
Dilated cardiomyopathy 1G (CMD1G). Identifiers: Orphanet 154, MedGen C1858763, MONDO:0011400, OMIM 604145.
Cardiomyopathy (CMYO). Also called: Cardiomyopathies. Identifiers: Orphanet 167848, MedGen C0878544, MONDO:0004994, HP:0001638. Inheritance: Various modes of inheritance.
Early-onset myopathy with fatal cardiomyopathy (CMYO5). Also called: Salih Myopathy; CONGENITAL MYOPATHY 5 WITH CARDIOMYOPATHY. Identifiers: Orphanet 289377, MedGen C2673677, MONDO:0012714, OMIM 611705. Disease mechanism: loss of function.
Myopathy, myofibrillar, 9, with early respiratory failure (MFM9). Also called: Hereditary myopathy with early respiratory failure; EDSTROM MYOPATHY; MYOPATHY, PROXIMAL, WITH EARLY RESPIRATORY MUSCLE INVOLVEMENT; Myopathy, distal, with early respiratory failure, autosomal dominant. Identifiers: Orphanet 178464, Orphanet 34521, MedGen C1863599, MONDO:0011362, OMIM 603689.
Tibial muscular dystrophy (TMD). Also called: UDD MYOPATHY; Udd Distal Myopathy – Tibial Muscular Dystrophy; Tibial muscular dystrophy, tardive. Identifiers: Orphanet 609, MedGen C1838244, MONDO:0010870, OMIM 600334.

Allele frequency attached by ClinVar (database versions not stated): gnomAD exomes 0.00033 and 0.00084; ExAC 0.00115; gnomAD 0.00354 and 0.00379; 1000 Genomes Project 0.00359; TOPMed 0.00380; 1000 Genomes Project 30x 0.00390; ESP Exome Variant Server 0.00454.

Submissions (23):

Labcorp Genetics (formerly Invitae), Labcorp
Classification: Benign for Dilated cardiomyopathy 1G; Autosomal recessive limb-girdle muscular dystrophy type 2J. Last evaluated: 2026-02-03. Review status: criteria provided, single submitter. Criteria: Invitae Variant Classification Sherloc (09022015). Collection method: clinical testing. Allele origin: germline.

Molecular Diagnostic Laboratory for Inherited Cardiovascular Disease, Montreal Heart Institute
Classification: Likely benign. Last evaluated: 2025-04-09. Review status: criteria provided, single submitter. Criteria: ACMG Guidelines, 2015. Collection method: clinical testing. Allele origin: germline. Affected: no.

ARUP Laboratories, Molecular Genetics and Genomics, ARUP Laboratories
Classification: Benign. Last evaluated: 2025-03-21. Review status: criteria provided, single submitter. Criteria: ARUP Molecular Germline Variant Investigation Process 2024. Collection method: clinical testing. Allele origin: germline.

Blueprint Genetics
Classification: Likely benign. Last evaluated: 2024-11-13. Review status: criteria provided, single submitter. Criteria: ACMG Guidelines, 2015. Collection method: clinical testing. Allele origin: germline.

Genome-Nilou Lab
Classification: Benign for Autosomal recessive limb-girdle muscular dystrophy type 2J. Last evaluated: 2021-09-10. Review status: criteria provided, single submitter. Criteria: ACMG Guidelines, 2015. Collection method: clinical testing. Allele origin: germline. Affected: no.

Genome-Nilou Lab
Classification: Benign for Myopathy, myofibrillar, 9, with early respiratory failure. Last evaluated: 2021-09-10. Review status: criteria provided, single submitter. Criteria: ACMG Guidelines, 2015. Collection method: clinical testing. Allele origin: germline. Affected: no.

Genome-Nilou Lab
Classification: Benign for Early-onset myopathy with fatal cardiomyopathy. Last evaluated: 2021-09-10. Review status: criteria provided, single submitter. Criteria: ACMG Guidelines, 2015. Collection method: clinical testing. Allele origin: germline. Affected: no.

Genome-Nilou Lab
Classification: Benign for Tibial muscular dystrophy. Last evaluated: 2021-09-10. Review status: criteria provided, single submitter. Criteria: ACMG Guidelines, 2015. Collection method: clinical testing. Allele origin: germline. Affected: no.

Women's Health and Genetics/Laboratory Corporation of America, LabCorp
Classification: Likely benign. Last evaluated: 2020-08-16. Review status: criteria provided, single submitter. Criteria: LabCorp Variant Classification Summary - May 2015. Collection method: clinical testing. Allele origin: germline.

Center for Advanced Laboratory Medicine, UC San Diego Health, University of California San Diego
Classification: Benign for Cardiomyopathy. Last evaluated: 2019-05-21. Review status: criteria provided, single submitter. Criteria: ACMG Guidelines, 2015. Collection method: clinical testing. Allele origin: germline. Affected: yes. Observed: 2 variant alleles.

Mayo Clinic Laboratories, Mayo Clinic
Classification: Benign. Last evaluated: 2018-04-04. Review status: criteria provided, single submitter. Criteria: ACMG Guidelines, 2015. Collection method: clinical testing. Allele origin: germline. Observed: 2 variant alleles.

Illumina Laboratory Services, Illumina
Classification: Likely benign for Autosomal recessive limb-girdle muscular dystrophy type 2J. Last evaluated: 2018-01-13. Review status: criteria provided, single submitter. Criteria: ICSL Variant Classification Criteria 13 December 2019. Collection method: clinical testing. Allele origin: germline.
Comment: This variant was observed in the ICSL laboratory as part of a predisposition screen in an ostensibly healthy population. It had not been previously curated by ICSL or reported in the Human Gene Mutation Database (HGMD: prior to June 1st, 2018), and was therefore a candidate for classification through an automated scoring system. Utilizing variant allele frequency, disease prevalence and penetrance estimates, and inheritance mode, an automated score was calculated to assess if this variant is too frequent to cause the disease. Based on the score and internal cut-off values, a variant classified as likely benign is not then subjected to further curation. The score for this variant resulted in a classification of likely benign for this disease.

Illumina Laboratory Services, Illumina
Classification: Likely benign for Dilated cardiomyopathy 1G. Last evaluated: 2018-01-13. Review status: criteria provided, single submitter. Criteria: ICSL Variant Classification Criteria 13 December 2019. Collection method: clinical testing. Allele origin: germline.
Comment: the same text as in the submission from Illumina Laboratory Services, Illumina above.

Illumina Laboratory Services, Illumina
Classification: Benign for Myopathy, myofibrillar, 9, with early respiratory failure. Last evaluated: 2018-01-13. Review status: criteria provided, single submitter. Criteria: ICSL Variant Classification Criteria 13 December 2019. Collection method: clinical testing. Allele origin: germline.
Comment: This variant was observed in the ICSL laboratory as part of a predisposition screen in an ostensibly healthy population. It had not been previously curated by ICSL or reported in the Human Gene Mutation Database (HGMD: prior to June 1st, 2018), and was therefore a candidate for classification through an automated scoring system. Utilizing variant allele frequency, disease prevalence and penetrance estimates, and inheritance mode, an automated score was calculated to assess if this variant is too frequent to cause the disease. Based on the score and internal cut-off values, a variant classified as benign is not then subjected to further curation. The score for this variant resulted in a classification of benign for this disease.

Illumina Laboratory Services, Illumina
Classification: Likely benign for Early-onset myopathy with fatal cardiomyopathy. Last evaluated: 2018-01-13. Review status: criteria provided, single submitter. Criteria: ICSL Variant Classification Criteria 13 December 2019. Collection method: clinical testing. Allele origin: germline.
Comment: the same text as in the submission from Illumina Laboratory Services, Illumina above.

Illumina Laboratory Services, Illumina
Classification: Benign for Tibial muscular dystrophy. Last evaluated: 2018-01-13. Review status: criteria provided, single submitter. Criteria: ICSL Variant Classification Criteria 13 December 2019. Collection method: clinical testing. Allele origin: germline.
Comment: the same text as in the submission from Illumina Laboratory Services, Illumina above.

Ambry Genetics
Classification: Benign for Cardiovascular phenotype. Last evaluated: 2017-05-31. Review status: criteria provided, single submitter. Criteria: Ambry Variant Classification Scheme 2023. Collection method: clinical testing. Allele origin: germline.

Biesecker Lab/Clinical Genomics Section, National Institutes of Health
Classification: Benign. Last evaluated: 2013-06-24. Review status: criteria provided, single submitter. Criteria: Ng et al. (Circ Cardiovasc Genet. 2013). Collection method: research. Allele origin: unknown. Observed: 1 variant allele. Study: ClinSeq.
Comment: The study set was not selected for affection status in relation to any cancer. Pathogenicity categories were based on literature curation. See Pubmed ID:23861362 for details.

Medical sequencing

GeneDx
Classification: Benign. Last evaluated: 2013-05-07. Review status: criteria provided, single submitter. Criteria: GeneDx Variant Classification (06012015). Collection method: clinical testing. Allele origin: germline. Affected: yes.
Comment: This variant is considered likely benign or benign based on one or more of the following criteria: it is a conservative change, it occurs at a poorly conserved position in the protein, it is predicted to be benign by multiple in silico algorithms, and/or has population frequency not consistent with disease.

Laboratory for Molecular Medicine, Mass General Brigham Personalized Medicine
Classification: Benign. Last evaluated: 2012-01-10. Review status: criteria provided, single submitter. Criteria: LMM Criteria. Collection method: clinical testing. Allele origin: germline. Observed: 7 variant alleles.
Comment: Ile2580Met in exon 33 of TTN: This variant is not expected to have clinical sign ificance because it is not located within the splice consensus sequence and has been identified in 1.4% (53/3691) of African American chromosomes from a broad, though clinically unspecified population (dbSNP rs146590898, NHLBI Exome Sequenc ing Project). Ile2580Met in exon 33 of TTN ( rs146590898, NHLBI Exome Seq Project; 1.4%, 53/3691)

Clinical Genetics, Academic Medical Center
Classification: Benign. Review status: no assertion criteria provided. Collection method: clinical testing. Allele origin: germline. Affected: yes. Study: VKGL Data-share Consensus. Not counted in ClinVar's aggregate classification.

Diagnostic Laboratory, Department of Genetics, University Medical Center Groningen
Classification: Benign. Review status: no assertion criteria provided. Collection method: clinical testing. Allele origin: germline. Affected: yes. Study: VKGL Data-share Consensus. Not counted in ClinVar's aggregate classification.

Genome Diagnostics Laboratory, University Medical Center Utrecht
Classification: Benign. Review status: no assertion criteria provided. Collection method: clinical testing. Allele origin: germline. Affected: yes. Study: VKGL Data-share Consensus. Not counted in ClinVar's aggregate classification.